The following is an entry in ClinVar:

ClinVar aggregate classification (germline): Likely pathogenic (1 of 4 stars; one submission).

Conditions:
Peroxisome biogenesis disorder. Identifiers: Orphanet 79189, MedGen C1832200, MONDO:0019234. Disease mechanism: loss of function.

Submission:

Myriad Genetics, Inc.
Classification: Likely pathogenic for Peroxisome biogenesis disorder. Last evaluated: 2022-05-18. Review status: criteria provided, single submitter. Criteria: Myriad Autosomal Dominant, Autosomal Recessive and X-Linked Classification Criteria (2023). Collection method: clinical testing. Allele origin: unknown.
Comment: NM_000466.2(PEX1):c.1815dupA(S606Ifs*9) is expected to be pathogenic in the context of peroxisome biogenesis disorder type 1. This variant is predicted to lead to an abnormal or absent protein product due to the creation of a premature termination codon in PEX1, a gene where loss-of-function variants are known to be pathogenic. Please note: this variant was assessed in the context of healthy population screening.

NM_000466.3(PEX1):c.1815dup (p.Ser606fs)

Gene: PEX1 (peroxisomal biogenesis factor 1; minus strand). Cytogenetic location: 7q21.2.
Variant type: Duplication.
Coding change: c.1815dup on transcript NM_000466.3 (MANE Select); coding-DNA position 1815, one base duplicated (A; older notation c.1815dupA).
Protein change: p.Ser606fs; shifts the reading frame from serine 606.
Molecular consequence: frameshift variant.
Genome position (GRCh38, 1-based): chr7:92,506,333, T duplicated on the plus strand (A on the coding strand, the reverse complement: PEX1 is on the minus strand); the first of 4 consecutive T bases (chr7:92,506,333-92,506,336); duplicating any one gives the same sequence. VCF-style (leftmost placement, unchanged base first): chr7-92506332-A-AT. GRCh37 (hg19) VCF-style: chr7-92135646-A-AT.
Other names: c.1815dup, p.Ser606fs (NM_001282677.2); c.1191dup, p.Ser398fs (NM_001282678.2); short protein forms S398fs, S606fs.
Identifiers: ClinVar variation 1726137 (VCV001726137.3), dbSNP rs2484673692, ClinGen allele CA2580077832.